The following is an entry in ClinVar:

NM_000238.4(KCNH2):c.2730G>A (p.Pro910=)

Gene: KCNH2 (potassium voltage-gated channel subfamily H member 2; minus strand). Cytogenetic location: 7q36.1.
Variant type: single nucleotide variant.
Coding change: c.2730G>A on transcript NM_000238.4 (MANE Select); coding-DNA position 2730, G replaced by A.
Protein change: p.Pro910=; no amino-acid change (proline 910 retained).
Molecular consequence: synonymous variant.
Genome position (GRCh38, 1-based): chr7:150,947,841, C>T on the plus strand (G>A on the coding strand, the complement: KCNH2 is on the minus strand). VCF-style: chr7-150947841-C-T. GRCh37 (hg19) VCF-style: chr7-150644929-C-T.
Other names: c.1710G>A, p.Pro570= (NM_172057.3).
Identifiers: ClinVar variation 377958 (VCV000377958.34), dbSNP rs916754925, ClinGen allele CA16605724.
Genomic context (GRCh38, chr7:150,947,841, plus strand): 5'-GCTCTCCCCCCACGGCCCCCCCGGCCGGCCCCGGCTACTCGGCCCTGCCCCCGCCCGGCC[C>T]GGCCCCAAGGCCGACACCTCCCCTGGCTGCTCCGTGTCTGTGGGAAACAGAGAATGGGCC-3'
Protein context (NP_000229.1, residues 900-920): EQPGEVSALG[Pro910=]GRAGAGPSSR

ClinVar aggregate classification (germline): Conflicting classifications of pathogenicity. Review status: criteria provided, conflicting classifications (1 of 4 stars). 9 submissions from 9 submitters: Uncertain significance (1); Likely benign (8). Last evaluated 2026-01-07.

Conditions:
Cardiac arrhythmia. Also called: Arrhythmia; Cardiac rhythm disease. Identifiers: MedGen C0003811, MONDO:0007263, HP:0011675.
Long QT syndrome 2 (LQT2). Identifiers: Orphanet 101016, Orphanet 768, MedGen C3150943, MONDO:0013367, OMIM 613688.
Cardiovascular phenotype. Identifiers: MedGen CN230736.
Long QT syndrome (LQTS). Identifiers: MedGen C0023976, MeSH D008133, MONDO:0002442. Disease mechanism: loss of function. Inheritance: Various modes of inheritance.

Allele frequency attached by ClinVar (database versions not stated): gnomAD 0.00015 and 0.00028; TOPMed 0.00031.

Submissions (9):

Labcorp Genetics (formerly Invitae), Labcorp
Classification: Likely benign for Long QT syndrome. Last evaluated: 2026-01-07. Review status: criteria provided, single submitter. Criteria: Invitae Variant Classification Sherloc (09022015). Collection method: clinical testing. Allele origin: germline.

CeGaT Center for Human Genetics Tuebingen
Classification: Likely benign. Last evaluated: 2025-08-01. Review status: criteria provided, single submitter. Criteria: CeGaT Center For Human Genetics Tuebingen Variant Classification Criteria Version 2. Collection method: clinical testing. Allele origin: germline. Affected: yes. Observed: 1 variant allele.
Comment: KCNH2: BP4, BP7

Athena Diagnostics
Classification: Likely benign. Last evaluated: 2024-10-04. Review status: criteria provided, single submitter. Criteria: Athena Diagnostics Criteria. Collection method: clinical testing. Allele origin: unknown.

Blueprint Genetics
Classification: Likely benign. Last evaluated: 2024-03-01. Review status: criteria provided, single submitter. Criteria: ACMG Guidelines, 2015. Collection method: clinical testing. Allele origin: germline.

All of Us Research Program, National Institutes of Health
Classification: Likely benign for Long QT syndrome. Last evaluated: 2024-02-05. Review status: criteria provided, single submitter. Criteria: ACMG Guidelines, 2015. Collection method: clinical testing. Allele origin: germline. Inheritance: Autosomal dominant inheritance. Observed: 52 variant alleles, 52 heterozygotes.
Comment: This study involves interpretation of variants in research participants for the purpose of population health screening. Participant phenotype was not available at the time of variant classification. Additional details can be found in publication PMID: 35346344, PMCID: PMC8962531

GeneDx
Classification: Likely benign. Last evaluated: 2020-05-20. Review status: criteria provided, single submitter. Criteria: GeneDx Variant Classification Process June 2021. Collection method: clinical testing. Allele origin: germline. Affected: yes.

Ambry Genetics
Classification: Likely benign for Cardiovascular phenotype. Last evaluated: 2019-12-11. Review status: criteria provided, single submitter. Criteria: Ambry Variant Classification Scheme 2023. Collection method: clinical testing. Allele origin: germline.

Color Diagnostics, LLC DBA Color Health
Classification: Likely benign for Arrhythmia. Last evaluated: 2018-11-08. Review status: criteria provided, single submitter. Criteria: ACMG Guidelines, 2015. Collection method: clinical testing. Allele origin: germline.

Illumina Laboratory Services, Illumina
Classification: Uncertain significance for Long QT syndrome 2. Last evaluated: 2018-01-13. Review status: criteria provided, single submitter. Criteria: ICSL Variant Classification Criteria 13 December 2019. Collection method: clinical testing. Allele origin: germline.